The following is an entry in ClinVar:

NM_002471.4(MYH6):c.4352_4353del (p.Asn1450_Phe1451insTer)

Gene: MYH6 (myosin heavy chain 6; minus strand). Cytogenetic location: 14q11.2.
Variant type: Deletion.
Coding change: c.4352_4353del on transcript NM_002471.4 (MANE Select); coding-DNA positions 4352 to 4353, 2 bases deleted (TT; older notation c.4352_4353delTT).
Protein change: p.Asn1450_Phe1451insTer.
Molecular consequence: nonsense.
Genome position (GRCh38, 1-based): chr14:23,388,161-23,388,162, AA deleted on the plus strand (TT on the coding strand, the reverse complement: MYH6 is on the minus strand); deleting any 2 consecutive bases within chr14:23,388,161-23,388,163 gives the same sequence; the c. name uses the placement nearest the transcript's 3' end. VCF-style (leftmost placement, unchanged base first): chr14-23388160-CAA-C. GRCh37 (hg19) VCF-style: chr14-23857369-CAA-C.
Identifiers: ClinVar variation 1441796 (VCV001441796.6), dbSNP rs2138588431, ClinGen allele CA2573149843.
Genomic context (GRCh38, chr14:23,388,160, plus strand): 5'-ACCCCTCATGCCCCCTTGCCCTGCATGCTGGCTGCGGCCCCCGCCCATGGTCCACCTTGT[CAA>C]AGTTTCTCTGCTTCTTGTCCAGGGCTGCAGCAGCAGCATTGGAGCGCTCTACGTCCACCA-3'

ClinVar aggregate classification (germline): Uncertain significance (1 of 4 stars; one submission).

Conditions:
Hypertrophic cardiomyopathy 14. Identifiers: MedGen C2750467, MONDO:0013197, OMIM 613251.

Submission:

Labcorp Genetics (formerly Invitae), Labcorp
Classification: Uncertain significance for Hypertrophic cardiomyopathy 14. Last evaluated: 2022-06-03. Review status: criteria provided, single submitter. Criteria: Invitae Variant Classification Sherloc (09022015). Collection method: clinical testing. Allele origin: germline.
Comment: This variant is not present in population databases (gnomAD no frequency). This sequence change creates a premature translational stop signal (p.Phe1451*) in the MYH6 gene. It is expected to result in an absent or disrupted protein product. However, the current clinical and genetic evidence is not sufficient to establish whether loss-of-function variants in MYH6 cause disease. This variant has not been reported in the literature in individuals affected with MYH6-related conditions. In summary, the available evidence is currently insufficient to determine the role of this variant in disease. Therefore, it has been classified as a Variant of Uncertain Significance. ClinVar contains an entry for this variant (Variation ID: 1441796).